The following is an entry in ClinVar:

ClinVar aggregate classification (germline): Uncertain significance. Review status: criteria provided, multiple submitters, no conflicts (2 of 4 stars). 2 submissions from 2 submitters: Uncertain significance (2). Last evaluated 2024-09-12.

Allele frequency attached by ClinVar (database versions not stated): gnomAD exomes below 0.00001; TOPMed below 0.00001.
gnomAD v4.1: 3 of 1,613,994 alleles (0.00019%); highest among the groups gnomAD compares: Non-Finnish European, 0.00025%; no homozygotes.

Submissions (2):

Labcorp Genetics (formerly Invitae), Labcorp
Classification: Uncertain significance. Last evaluated: 2024-09-12. Review status: criteria provided, single submitter. Criteria: Invitae Variant Classification Sherloc (09022015). Collection method: clinical testing. Allele origin: germline.
Comment: This sequence change replaces valine, which is neutral and non-polar, with methionine, which is neutral and non-polar, at codon 253 of the PCDH15 protein (p.Val253Met). This variant is present in population databases (no rsID available, gnomAD 0.007%). This variant has not been reported in the literature in individuals affected with PCDH15-related conditions. ClinVar contains an entry for this variant (Variation ID: 1009729). Invitae Evidence Modeling of protein sequence and biophysical properties (such as structural, functional, and spatial information, amino acid conservation, physicochemical variation, residue mobility, and thermodynamic stability) indicates that this missense variant is expected to disrupt PCDH15 protein function with a positive predictive value of 80%. In summary, the available evidence is currently insufficient to determine the role of this variant in disease. Therefore, it has been classified as a Variant of Uncertain Significance.

Blueprint Genetics
Classification: Uncertain significance. Last evaluated: 2022-12-09. Review status: criteria provided, single submitter. Criteria: ACMG Guidelines, 2015. Collection method: clinical testing. Allele origin: germline.

NM_001384140.1(PCDH15):c.757G>A (p.Val253Met)

Gene: PCDH15 (protocadherin related 15; minus strand). Cytogenetic location: 10q21.1.
Variant type: single nucleotide variant.
Coding change: c.757G>A on transcript NM_001384140.1 (MANE Select); coding-DNA position 757, G replaced by A.
Protein change: p.Val253Met; replaces valine 253 with methionine.
Molecular consequence: missense variant.
Genome position (GRCh38, 1-based): chr10:54,317,390, C>T on the plus strand (G>A on the coding strand, the complement: PCDH15 is on the minus strand). VCF-style: chr10-54317390-C-T. GRCh37 (hg19) VCF-style: chr10-56077150-C-T.
Other names: c.772G>A, p.Val258Met (NM_001142771.2, NM_001142763.2, NM_001142769.4); c.757G>A, p.Val253Met (NM_001142772.2, NM_001354411.2, NM_001354420.2 and 7 more transcripts); c.691G>A, p.Val231Met (NM_001142773.2, NM_001354404.2, NM_001142768.2); c.646G>A, p.Val216Met (NM_001142767.2); short protein forms V216M, V231M, V253M, V258M.
Identifiers: ClinVar variation 1009729 (VCV001009729.5), dbSNP rs1375595808, ClinGen allele CA376541004.